The following is an entry in ClinVar:

NM_001042492.3(NF1):c.131T>A (p.Ile44Asn)

Gene: NF1 (neurofibromin 1; plus strand). Cytogenetic location: 17q11.2.
Variant type: single nucleotide variant.
Coding change: c.131T>A on transcript NM_001042492.3 (MANE Select); coding-DNA position 131, T replaced by A.
Protein change: p.Ile44Asn; replaces isoleucine 44 with asparagine.
Molecular consequence: missense variant.
Genome position (GRCh38, 1-based): chr17:31,156,053, T>A. VCF-style: chr17-31156053-T-A. GRCh37 (hg19) VCF-style: chr17-29483071-T-A.
Other names: c.131T>A, p.Ile44Asn (NM_000267.4, NM_001128147.3); short protein forms I44N.
Identifiers: ClinVar variation 2043329 (VCV002043329.4), dbSNP rs2143626347, ClinGen allele CA398988404.

ClinVar aggregate classification (germline): Uncertain significance (1 of 4 stars; one submission).

Conditions:
Neurofibromatosis, type 1 (NF1). Also called: Neurofibromatosis, type I; NEUROFIBROMATOSIS, TYPE I, SOMATIC; Peripheral type neurofibromatosis; VON RECKLINGHAUSEN DISEASE. Identifiers: Orphanet 636, MedGen C0027831, MONDO:0018975, OMIM 162200. Disease mechanism: loss of function.

Submission:

Labcorp Genetics (formerly Invitae), Labcorp
Classification: Uncertain significance for Neurofibromatosis, type 1. Last evaluated: 2021-12-15. Review status: criteria provided, single submitter. Criteria: Invitae Variant Classification Sherloc (09022015). Collection method: clinical testing. Allele origin: germline.
Comment: This sequence change replaces isoleucine, which is neutral and non-polar, with asparagine, which is neutral and polar, at codon 44 of the NF1 protein (p.Ile44Asn). This variant is not present in population databases (gnomAD no frequency). This variant has not been reported in the literature in individuals affected with NF1-related conditions. Advanced modeling of protein sequence and biophysical properties (such as structural, functional, and spatial information, amino acid conservation, physicochemical variation, residue mobility, and thermodynamic stability) performed at Invitae indicates that this missense variant is expected to disrupt NF1 protein function. In summary, the available evidence is currently insufficient to determine the role of this variant in disease. Therefore, it has been classified as a Variant of Uncertain Significance.